The following is an entry in ClinVar:

NM_007294.4(BRCA1):c.5007C>A (p.Ala1669=)

Gene: BRCA1 (BRCA1 DNA repair associated; minus strand). Cytogenetic location: 17q21.31.
Variant type: single nucleotide variant.
Coding change: c.5007C>A on transcript NM_007294.4 (MANE Select); coding-DNA position 5007, C replaced by A.
Protein change: p.Ala1669=; no amino-acid change (alanine 1669 retained).
Molecular consequence: synonymous variant. On other transcripts: intron variant (1).
Genome position (GRCh38, 1-based): chr17:43,067,675, G>T on the plus strand (C>A on the coding strand, the complement: BRCA1 is on the minus strand). VCF-style: chr17-43067675-G-T. GRCh37 (hg19) VCF-style: chr17-41219692-G-T.
Other names: c.4794C>A, p.Ala1598= (NM_001407571.1, NM_001407894.1, NM_001407895.1 and 12 more transcripts); c.5073C>A, p.Ala1691= (NM_001407581.1, NM_001407582.1); c.5070C>A, p.Ala1690= (NM_001407583.1, NM_001407585.1, NM_001407587.1 and 1 more transcripts); c.5067C>A, p.Ala1689= (NM_001407590.1, NM_001407591.1); c.5007C>A, p.Ala1669= (NM_001407593.1, NM_001407594.1, NM_001407596.1 and 8 more transcripts); c.5004C>A, p.Ala1668= (NM_001407610.1, NM_001407611.1, NM_001407612.1 and 17 more transcripts); c.5001C>A, p.Ala1667= (NM_001407627.1, NM_001407628.1, NM_001407629.1 and 14 more transcripts); c.4998C>A, p.Ala1666= (NM_001407644.1, NM_001407645.1); and 71 more.
Identifiers: ClinVar variation 865524 (VCV000865524.3), dbSNP rs751856943, ClinGen allele CA500146384.
Genomic context (GRCh38, chr17:43,067,675, plus strand): 5'-CATAACAACATGAGTAGTCTCTTCAGTAATTAGATTAGTTAAAGTGATGTGGTGTTTTCT[G>T]GCAAACTTGTACACGAGCATCTGAAATTAAATCAAATATTCCATTATCATGAGTTACCTC-3'
Protein context (NP_009225.1, residues 1659-1679): PEEFMLVYKF[Ala1669=]RKHHITLTNL

Conditions:
Breast-ovarian cancer, familial, susceptibility to, 1 (BROVCA1). Also called: BRCA1 Hereditary Breast and Ovarian Cancer; OVARIAN CANCER, SUSCEPTIBILITY TO. Identifiers: Orphanet 145, MedGen C2676676, MONDO:0011450, OMIM 604370. Disease mechanism: loss of function.

Submission:

Brotman Baty Institute, University of Washington
No classification provided (evidence only). Condition: Breast-ovarian cancer, familial 1. Review status: no classification provided. Collection method: in vitro. Allele origin: not applicable. Functional consequence: functionally_normal.
ClinVar note: "not provided" was previously submitted as the classification for the variant. However, the classification appeared to be based only on an observation of functional data so it was converted to no classification on 2025-07-30.